The following is an entry in ClinVar:

NM_025132.4(WDR19):c.3668G>A (p.Arg1223His)

Gene: WDR19 (WD repeat domain 19; plus strand). Cytogenetic location: 4p14.
Variant type: single nucleotide variant.
Coding change: c.3668G>A on transcript NM_025132.4 (MANE Select); coding-DNA position 3668, G replaced by A.
Protein change: p.Arg1223His; replaces arginine 1223 with histidine.
Molecular consequence: missense variant.
Genome position (GRCh38, 1-based): chr4:39,274,910, G>A. VCF-style: chr4-39274910-G-A. GRCh37 (hg19) VCF-style: chr4-39276530-G-A.
Other names: c.3668G>A (NM_025132.3); c.3188G>A, p.Arg1063His (NM_001317924.2); short protein forms R1063H, R1223H.
Identifiers: ClinVar variation 1422719 (VCV001422719.8), dbSNP rs115335610, ClinGen allele CA2892441.

ClinVar aggregate classification (germline): Uncertain significance. Review status: criteria provided, multiple submitters, no conflicts (2 of 4 stars). 3 submissions from 3 submitters: Uncertain significance (3). Last evaluated 2025-11-03.

Conditions:
Inborn genetic diseases. Identifiers: MedGen C0950123, MeSH D030342.
Senior-Loken syndrome 8 (SLSN8). Identifiers: Orphanet 3156, MedGen C4225376, MONDO:0014579, OMIM 616307.
Asphyxiating thoracic dystrophy 5 (SRTD5). Also called: SHORT-RIB THORACIC DYSPLASIA 5 WITH OR WITHOUT POLYDACTYLY; SHORT-RIB THORACIC DYSPLASIA 5 WITHOUT POLYDACTYLY. Identifiers: Orphanet 474, MedGen C3280598, MONDO:0013717, OMIM 614376.

Allele frequency attached by ClinVar (database versions not stated): ExAC 0.00003; gnomAD 0.00003; TOPMed 0.00004; 1000 Genomes Project 0.00020; 1000 Genomes Project 30x 0.00031.
gnomAD v4.1: 135 of 1,614,014 alleles (0.0084%); highest among the groups gnomAD compares: Middle Eastern, 0.016%; no homozygotes.

Submissions (3):

Ambry Genetics
Classification: Uncertain significance for Inborn genetic diseases. Last evaluated: 2025-11-03. Review status: criteria provided, single submitter. Criteria: Ambry Variant Classification Scheme 2023. Collection method: clinical testing. Allele origin: germline.

Labcorp Genetics (formerly Invitae), Labcorp
Classification: Uncertain significance for Senior-Loken syndrome 8; Asphyxiating thoracic dystrophy 5. Last evaluated: 2024-10-24. Review status: criteria provided, single submitter. Criteria: Invitae Variant Classification Sherloc (09022015). Collection method: clinical testing. Allele origin: germline.
Comment: This sequence change replaces arginine, which is basic and polar, with histidine, which is basic and polar, at codon 1223 of the WDR19 protein (p.Arg1223His). This variant is present in population databases (rs115335610, gnomAD 0.006%). This variant has not been reported in the literature in individuals affected with WDR19-related conditions. ClinVar contains an entry for this variant (Variation ID: 1422719). Invitae Evidence Modeling of protein sequence and biophysical properties (such as structural, functional, and spatial information, amino acid conservation, physicochemical variation, residue mobility, and thermodynamic stability) has been performed for this missense variant. However, the output from this modeling did not meet the statistical confidence thresholds required to predict the impact of this variant on WDR19 protein function. In summary, the available evidence is currently insufficient to determine the role of this variant in disease. Therefore, it has been classified as a Variant of Uncertain Significance.

Blueprint Genetics
Classification: Uncertain significance. Last evaluated: 2022-11-07. Review status: criteria provided, single submitter. Criteria: ACMG Guidelines, 2015. Collection method: clinical testing. Allele origin: germline.